The following is an entry in ClinVar:

NM_000038.6(APC):c.7993C>T (p.Pro2665Ser)

Gene: APC (APC regulator of Wnt signaling pathway; plus strand). Cytogenetic location: 5q22.2.
Variant type: single nucleotide variant.
Coding change: c.7993C>T on transcript NM_000038.6 (MANE Select); coding-DNA position 7993, C replaced by T.
Protein change: p.Pro2665Ser; replaces proline 2665 with serine.
Molecular consequence: missense variant.
Genome position (GRCh38, 1-based): chr5:112,843,587, C>T. VCF-style: chr5-112843587-C-T. GRCh37 (hg19) VCF-style: chr5-112179284-C-T.
Other names: c.7993C>T, p.Pro2665Ser (NM_001127510.3, NM_001354895.2); c.7939C>T, p.Pro2647Ser (NM_001127511.3); c.8047C>T, p.Pro2683Ser (NM_001354896.2); c.8023C>T, p.Pro2675Ser (NM_001354897.2); c.7918C>T, p.Pro2640Ser (NM_001354898.2); c.7909C>T, p.Pro2637Ser (NM_001354899.2); c.7870C>T, p.Pro2624Ser (NM_001354900.2); c.7816C>T, p.Pro2606Ser (NM_001354901.2); and 5 more; short protein forms P2647S, P2665S, P2382S, P2505S, P2539S, P2574S, P2624S, P2637S.
Identifiers: ClinVar variation 565362 (VCV000565362.11), dbSNP rs1561619804, ClinGen allele CA16038695.
Genomic context (GRCh38, chr5:112,843,587, plus strand): 5'-TATCAAATGGCACCTGCTGTTTCTAAAACAGAGGATGTTTGGGTGAGAATTGAGGACTGT[C>T]CCATTAACAATCCTAGATCTGGAAGATCTCCCACAGGTAATACTCCCCCGGTGATTGACA-3'
Protein context (NP_000029.2, residues 2655-2675): EDVWVRIEDC[Pro2665Ser]INNPRSGRSP

ClinVar aggregate classification (germline): Uncertain significance. Review status: criteria provided, multiple submitters, no conflicts (2 of 4 stars). 2 submissions from 2 submitters: Uncertain significance (2). Last evaluated 2024-02-15.

Conditions:
Hereditary cancer-predisposing syndrome. Also called: Hereditary neoplastic syndrome; Neoplastic Syndromes, Hereditary; Tumor predisposition; Hereditary Cancer Syndrome. Identifiers: Orphanet 140162, MedGen C0027672, MeSH D009386, MONDO:0015356.
Familial adenomatous polyposis 1 (FAP1). Also called: FAMILIAL ADENOMATOUS POLYPOSIS 1, ATTENUATED; POLYPOSIS, ADENOMATOUS INTESTINAL. Identifiers: MedGen C2713442, MONDO:0021056, OMIM 175100. Disease mechanism: loss of function.

Submissions (2):

Ambry Genetics
Classification: Uncertain significance for Hereditary cancer-predisposing syndrome. Last evaluated: 2024-02-15. Review status: criteria provided, single submitter. Criteria: Ambry Variant Classification Scheme 2023. Collection method: clinical testing. Allele origin: germline.
Comment: The p.P2665S variant (also known as c.7993C>T), located in coding exon 15 of the APC gene, results from a C to T substitution at nucleotide position 7993. The proline at codon 2665 is replaced by serine, an amino acid with similar properties. This amino acid position is highly conserved in available vertebrate species. In addition, in silico predictors for this gene do not accurately predict pathogenicity. Based on the available evidence, the clinical significance of this alteration remains unclear.

Labcorp Genetics (formerly Invitae), Labcorp
Classification: Uncertain significance for Familial adenomatous polyposis 1. Last evaluated: 2022-05-27. Review status: criteria provided, single submitter. Criteria: Invitae Variant Classification Sherloc (09022015). Collection method: clinical testing. Allele origin: germline.
Comment: In summary, the available evidence is currently insufficient to determine the role of this variant in disease. Therefore, it has been classified as a Variant of Uncertain Significance. This sequence change replaces proline, which is neutral and non-polar, with serine, which is neutral and polar, at codon 2665 of the APC protein (p.Pro2665Ser). This variant is not present in population databases (gnomAD no frequency). This variant has not been reported in the literature in individuals affected with APC-related conditions. ClinVar contains an entry for this variant (Variation ID: 565362). Algorithms developed to predict the effect of missense changes on protein structure and function (SIFT, PolyPhen-2, Align-GVGD) all suggest that this variant is likely to be disruptive.